The following is an entry in ClinVar:

NM_002878.4(RAD51D):c.135G>T (p.Leu45Phe)

Genes: RAD51D (RAD51 paralog D; minus strand), RAD51L3-RFFL (RAD51L3-RFFL readthrough; minus strand). Cytogenetic location: 17q12.
Variant type: single nucleotide variant.
Coding change: c.135G>T on transcript NM_002878.4 (MANE Select); coding-DNA position 135, G replaced by T.
Protein change: p.Leu45Phe; replaces leucine 45 with phenylalanine.
Molecular consequence: missense variant. On other transcripts: non-coding transcript variant (2).
Genome position (GRCh38, 1-based): chr17:35,119,120, C>A on the plus strand (G>T on the coding strand, the complement: RAD51D is on the minus strand). VCF-style: chr17-35119120-C-A. GRCh37 (hg19) VCF-style: chr17-33446139-C-A.
Other names: c.135G>T, p.Leu45Phe (NM_001142571.2, NM_133629.3); short protein forms L45F.
Identifiers: ClinVar variation 2008565 (VCV002008565.4), dbSNP rs752907589, ClinGen allele CA8499665.

ClinVar aggregate classification (germline): Uncertain significance (1 of 4 stars; one submission).

Conditions:
Breast-ovarian cancer, familial, susceptibility to, 4. Identifiers: Orphanet 145, MedGen C3280345, MONDO:0013669, OMIM 614291.

Allele frequency attached by ClinVar (database versions not stated): ExAC 0.00060.

Submission:

Labcorp Genetics (formerly Invitae), Labcorp
Classification: Uncertain significance for Breast-ovarian cancer, familial, susceptibility to, 4. Last evaluated: 2022-06-19. Review status: criteria provided, single submitter. Criteria: Invitae Variant Classification Sherloc (09022015). Collection method: clinical testing. Allele origin: germline.
Comment: This sequence change replaces leucine, which is neutral and non-polar, with phenylalanine, which is neutral and non-polar, at codon 45 of the RAD51D protein (p.Leu45Phe). The frequency data for this variant in the population databases is considered unreliable, as metrics indicate poor data quality at this position in the gnomAD database. This variant has not been reported in the literature in individuals affected with RAD51D-related conditions. Algorithms developed to predict the effect of missense changes on protein structure and function are either unavailable or do not agree on the potential impact of this missense change (SIFT: "Deleterious"; PolyPhen-2: "Possibly Damaging"; Align-GVGD: "Class C0"). In summary, the available evidence is currently insufficient to determine the role of this variant in disease. Therefore, it has been classified as a Variant of Uncertain Significance.